The following is an entry in ClinVar:

ClinVar aggregate classification (germline): Uncertain significance (1 of 4 stars; one submission).

gnomAD v4.1: 28 of 1,613,124 alleles (0.0017%); highest among the groups gnomAD compares: East Asian, 0.011%; no homozygotes.

Submission:

Labcorp Genetics (formerly Invitae), Labcorp
Classification: Uncertain significance. Last evaluated: 2021-10-14. Review status: criteria provided, single submitter. Criteria: Invitae Variant Classification Sherloc (09022015). Collection method: clinical testing. Allele origin: germline.
Comment: This sequence change replaces arginine with histidine at codon 372 of the ADAMTS10 protein (p.Arg372His). The arginine residue is highly conserved and there is a small physicochemical difference between arginine and histidine. This variant is present in population databases (rs782569374, ExAC 0.005%). This variant has not been reported in the literature in individuals affected with ADAMTS10-related conditions. Algorithms developed to predict the effect of missense changes on protein structure and function are either unavailable or do not agree on the potential impact of this missense change (SIFT: "Tolerated"; PolyPhen-2: "Possibly Damaging"; Align-GVGD: "Class C0"). In summary, the available evidence is currently insufficient to determine the role of this variant in disease. Therefore, it has been classified as a Variant of Uncertain Significance.

NM_030957.4(ADAMTS10):c.1115G>A (p.Arg372His)

Gene: ADAMTS10 (ADAM metallopeptidase with thrombospondin type 1 motif 10; minus strand). Cytogenetic location: 19p13.2.
Variant type: single nucleotide variant.
Coding change: c.1115G>A on transcript NM_030957.4 (MANE Select); coding-DNA position 1115, G replaced by A.
Protein change: p.Arg372His; replaces arginine 372 with histidine.
Molecular consequence: missense variant.
Genome position (GRCh38, 1-based): chr19:8,596,382, C>T on the plus strand (G>A on the coding strand, the complement: ADAMTS10 is on the minus strand). VCF-style: chr19-8596382-C-T. GRCh37 (hg19) VCF-style: chr19-8661266-C-T.
Other names: short protein forms R372H.
Identifiers: ClinVar variation 1450136 (VCV001450136.3), dbSNP rs782569374, ClinGen allele CA9160614.
Genomic context (GRCh38, chr19:8,596,382, plus strand): 5'-TGGGCAATGGTGAACGCTGTGGCCAGGCCAATGTCCTCATTGACGCTGCAGCTTCTCTCG[C>T]GCTCACACATTCCGCCCACCGGGGCCAGGCCTGGGAAGACGGACATGTGGGGATGGGGCT-3'
Protein context (NP_112219.3, residues 362-382): GLAPVGGMCE[Arg372His]ERSCSVNEDI